The following is an entry in ClinVar:

ClinVar aggregate classification (germline): Pathogenic (1 of 4 stars; one submission).

Conditions:
L-2-hydroxyglutaric aciduria (L2HGA). Identifiers: Orphanet 79314, MedGen C1855995, MONDO:0009370, OMIM 236792, HP:0040144.

Submission:

Labcorp Genetics (formerly Invitae), Labcorp
Classification: Pathogenic for L-2-hydroxyglutaric aciduria. Last evaluated: 2020-03-10. Review status: criteria provided, single submitter. Criteria: Invitae Variant Classification Sherloc (09022015). Collection method: clinical testing. Allele origin: germline.
Comment: For these reasons, this variant has been classified as Pathogenic. Loss-of-function variants in L2HGDH are known to be pathogenic (PMID: 16134148, 20052767). This variant has not been reported in the literature in individuals with L2HGDH-related conditions. This variant is a gross deletion of the genomic region encompassing exon 1 of the L2HGDH gene, which includes the initiator codon. The 5' end of this event is unknown as it extends beyond the assayed region for this gene and therefore may encompass additional genes. The 3' boundary is likely confined to intron 2 of the L2HGDH gene. This is expected to result in an absent or disrupted protein product.

Literature cited by the submitters: PubMed 16134148; PubMed 20052767.

NC_000014.8:g.(?_50778709)_(50778888_?)del

Gene: L2HGDH (L-2-hydroxyglutarate dehydrogenase; minus strand). Cytogenetic location: 14q21.3.
Variant type: Deletion.
Identifiers: ClinVar variation 1070154 (VCV001070154.5).